The following is an entry in ClinVar:

ClinVar aggregate classification (germline): Uncertain significance (1 of 4 stars; one submission).

Submission:

Labcorp Genetics (formerly Invitae), Labcorp
Classification: Uncertain significance. Last evaluated: 2022-06-13. Review status: criteria provided, single submitter. Criteria: Invitae Variant Classification Sherloc (09022015). Collection method: clinical testing. Allele origin: germline.
Comment: In summary, the available evidence is currently insufficient to determine the role of this variant in disease. Therefore, it has been classified as a Variant of Uncertain Significance. Experimental studies and prediction algorithms are not available or were not evaluated, and the functional significance of this variant is currently unknown. This variant has been observed in individual(s) with clinical features of autosomal dominant osteopetrosis (Invitae). This variant is not present in population databases (gnomAD no frequency). This variant, c.984_986del, results in the deletion of 1 amino acid(s) of the CLCN7 protein (p.Phe329del), but otherwise preserves the integrity of the reading frame.

NM_001287.6(CLCN7):c.982_984delTTC (p.Phe329del)

Gene: CLCN7 (chloride voltage-gated channel 7; minus strand). Cytogenetic location: 16p13.3.
Variant type: Deletion.
Coding change: c.982_984delTTC on transcript NM_001287.6 (MANE Select); coding-DNA positions 982 to 984, TTC deleted.
Protein change: p.Phe329del; deletes phenylalanine 329.
Molecular consequence: inframe deletion.
Genome position: GRCh38 VCF-style: chr16-1455245-AAAG-A. GRCh37 (hg19) VCF-style: chr16-1505246-AAAG-A.
Other names: c.910_912delTTC, p.Phe305del (NM_001114331.3); short protein forms F305del, F329del.
Identifiers: ClinVar variation 1419486 (VCV001419486.6), dbSNP rs2142378549, ClinGen allele CA2573151722.